The following is an entry in ClinVar:

NM_001388492.1(HTT):c.5833C>T (p.Arg1945Trp)

Gene: HTT (huntingtin; plus strand). Cytogenetic location: 4p16.3.
Variant type: single nucleotide variant.
Coding change: c.5833C>T on transcript NM_001388492.1 (MANE Select); coding-DNA position 5833, C replaced by T.
Protein change: p.Arg1945Trp; replaces arginine 1945 with tryptophan.
Molecular consequence: missense variant.
Genome position (GRCh38, 1-based): chr4:3,206,610, C>T. VCF-style: chr4-3206610-C-T. GRCh37 (hg19) VCF-style: chr4-3208337-C-T.
Other names: c.5839C>T, p.Arg1947Trp (NM_002111.8); short protein forms R1947W, R1945W.
Identifiers: ClinVar variation 1397556 (VCV001397556.7), dbSNP rs202046922, ClinGen allele CA2824826.

ClinVar aggregate classification (germline): Uncertain significance. Review status: criteria provided, multiple submitters, no conflicts (2 of 4 stars). 2 submissions from 2 submitters: Uncertain significance (2). Last evaluated 2023-06-13.

Allele frequency attached by ClinVar (database versions not stated): gnomAD 0.00002 and 0.00003; gnomAD exomes 0.00002; TOPMed 0.00002; ExAC 0.00004; ESP Exome Variant Server 0.00008; 1000 Genomes Project 30x 0.00016; 1000 Genomes Project 0.00020.
gnomAD v4.1: 44 of 1,614,148 alleles (0.0027%); highest among the groups gnomAD compares: East Asian, 0.0045%; no homozygotes.

Submissions (2):

Clinical Genetics Laboratory, Skane University Hospital Lund
Classification: Uncertain significance. Last evaluated: 2023-06-13. Review status: criteria provided, single submitter. Criteria: ACMG Guidelines, 2015. Collection method: clinical testing. Allele origin: germline. Affected: yes.

Labcorp Genetics (formerly Invitae), Labcorp
Classification: Uncertain significance. Last evaluated: 2021-04-06. Review status: criteria provided, single submitter. Criteria: Invitae Variant Classification Sherloc (09022015). Collection method: clinical testing. Allele origin: germline.
Comment: This sequence change replaces arginine with tryptophan at codon 1947 of the HTT protein (p.Arg1947Trp). The arginine residue is highly conserved and there is a moderate physicochemical difference between arginine and tryptophan. In summary, the available evidence is currently insufficient to determine the role of this variant in disease. Therefore, it has been classified as a Variant of Uncertain Significance. Experimental studies and prediction algorithms are not available or were not evaluated, and the functional significance of this variant is currently unknown. This variant has not been reported in the literature in individuals with HTT-related conditions. This variant is present in population databases (rs202046922, ExAC 0.006%).